The following is an entry in ClinVar:

ClinVar aggregate classification (germline): Likely pathogenic (1 of 4 stars; one submission).

Conditions:
Desmin-related myofibrillar myopathy (MFM1). Also called: MYOFIBRILLAR MYOPATHY WITH ARRHYTHMOGENIC RIGHT VENTRICULAR CARDIOMYOPATHY; DESMIN-RELATED MYOPATHY WITH ARRHYTHMOGENIC RIGHT VENTRICULAR CARDIOMYOPATHY; Myofibrillar myopathy 1; Desminopathy; Desmin related myopathy (former name); Desmin storage myopathy (former name). Identifiers: Orphanet 363543, Orphanet 98909, MedGen C1832370, MONDO:0011076, OMIM 601419.

Submission:

Labcorp Genetics (formerly Invitae), Labcorp
Classification: Likely pathogenic for Desmin-related myofibrillar myopathy. Last evaluated: 2025-07-07. Review status: criteria provided, single submitter. Criteria: Invitae Variant Classification Sherloc (09022015). Collection method: clinical testing. Allele origin: germline.
Comment: This sequence change replaces alanine, which is neutral and non-polar, with aspartic acid, which is acidic and polar, at codon 120 of the DES protein (p.Ala120Asp). This variant is not present in population databases (gnomAD no frequency). This missense change has been observed in individual(s) with arrhythmogenic right ventricular compaction, dilated cardiomyopathy and sudden cardiac death (PMID: 24200904). It has also been observed to segregate with disease in related individuals. ClinVar contains an entry for this variant (Variation ID: 854289). Invitae Evidence Modeling of protein sequence and biophysical properties (such as structural, functional, and spatial information, amino acid conservation, physicochemical variation, residue mobility, and thermodynamic stability) indicates that this missense variant is expected to disrupt DES protein function with a positive predictive value of 95%. Experimental studies have shown that this missense change affects DES function (PMID: 24200904, 31371504). In summary, the currently available evidence indicates that the variant is pathogenic, but additional data are needed to prove that conclusively. Therefore, this variant has been classified as Likely Pathogenic.

Literature cited by the submitters: PubMed 24200904; PubMed 31371504.

NM_001927.4(DES):c.359C>A (p.Ala120Asp)

Gene: DES (desmin; plus strand). Cytogenetic location: 2q35.
Variant type: single nucleotide variant.
Coding change: c.359C>A on transcript NM_001927.4 (MANE Select); coding-DNA position 359, C replaced by A.
Protein change: p.Ala120Asp; replaces alanine 120 with aspartic acid.
Molecular consequence: missense variant.
Genome position (GRCh38, 1-based): chr2:219,418,821, C>A. VCF-style: chr2-219418821-C-A. GRCh37 (hg19) VCF-style: chr2-220283543-C-A.
Other names: short protein forms A120D.
Identifiers: ClinVar variation 854289 (VCV000854289.11), dbSNP rs1954373010, ClinGen allele CA350685499.